The following is an entry in ClinVar:

NM_001099274.3(TINF2):c.31G>C (p.Ala11Pro)

Gene: TINF2 (TERF1 interacting nuclear factor 2; minus strand). Cytogenetic location: 14q12.
Variant type: single nucleotide variant.
Coding change: c.31G>C on transcript NM_001099274.3 (MANE Select); coding-DNA position 31, G replaced by C.
Protein change: p.Ala11Pro; replaces alanine 11 with proline.
Molecular consequence: missense variant.
Genome position (GRCh38, 1-based): chr14:24,242,302, C>G on the plus strand (G>C on the coding strand, the complement: TINF2 is on the minus strand). VCF-style: chr14-24242302-C-G. GRCh37 (hg19) VCF-style: chr14-24711508-C-G.
Other names: c.31G>C, p.Ala11Pro (NM_001363668.2, NM_012461.3); short protein forms A11P.
Identifiers: ClinVar variation 2846374 (VCV002846374.3), dbSNP rs2502468502, ClinGen allele CA389236858.
Genomic context (GRCh38, chr14:24,242,302, plus strand): 5'-AATGTTCCACGCAGCGTCCGCGCACAACCTGCCAGCTAGCCGCGGCGGCGAAGCGTAGAG[C>G]TGCGGGACCCGCCACCAGGGGCGTAGCCATGGTCGGCGGGCTCCGCCCGGAGGCGGTCCC-3'
Protein context (NP_001092744.1, residues 1-21): MATPLVAGPA[Ala11Pro]LRFAAAASWQ

ClinVar aggregate classification (germline): Uncertain significance (1 of 4 stars; one submission).

Conditions:
Dyskeratosis congenita. Identifiers: Orphanet 1775, MedGen C0265965, MONDO:0015780.

gnomAD v4.1: 3 of 1,612,888 alleles (0.00019%); highest among the groups gnomAD compares: South Asian, 0.0033%; no homozygotes.

Submission:

Labcorp Genetics (formerly Invitae), Labcorp
Classification: Uncertain significance for Dyskeratosis congenita. Last evaluated: 2023-03-16. Review status: criteria provided, single submitter. Criteria: Invitae Variant Classification Sherloc (09022015). Collection method: clinical testing. Allele origin: germline.
Comment: In summary, the available evidence is currently insufficient to determine the role of this variant in disease. Therefore, it has been classified as a Variant of Uncertain Significance. An algorithm developed to predict the effect of missense changes on protein structure and function (PolyPhen-2) suggests that this variant is likely to be disruptive. This variant has not been reported in the literature in individuals affected with TINF2-related conditions. This variant is not present in population databases (gnomAD no frequency). This sequence change replaces alanine, which is neutral and non-polar, with proline, which is neutral and non-polar, at codon 11 of the TINF2 protein (p.Ala11Pro).